The following is an entry in ClinVar:

ClinVar aggregate classification (germline): Uncertain significance (1 of 4 stars; one submission).

gnomAD v4.1: 22 of 1,604,068 alleles (0.0014%); highest among the groups gnomAD compares: Non-Finnish European, 0.0019%; no homozygotes.

Submission:

Labcorp Genetics (formerly Invitae), Labcorp
Classification: Uncertain significance. Last evaluated: 2021-09-11. Review status: criteria provided, single submitter. Criteria: Invitae Variant Classification Sherloc (09022015). Collection method: clinical testing. Allele origin: germline.
Comment: In summary, the available evidence is currently insufficient to determine the role of this variant in disease. Therefore, it has been classified as a Variant of Uncertain Significance. Algorithms developed to predict the effect of missense changes on protein structure and function are either unavailable or do not agree on the potential impact of this missense change (SIFT: "Deleterious"; PolyPhen-2: "Not Available"; Align-GVGD: "Class C0"). This variant has been observed in individual(s) with deafness (Invitae). This variant is not present in population databases (ExAC no frequency). This sequence change replaces glutamic acid with glutamine at codon 2682 of the CDH23 protein (p.Glu2682Gln). The glutamic acid residue is highly conserved and there is a small physicochemical difference between glutamic acid and glutamine.

NM_022124.6(CDH23):c.8044G>C (p.Glu2682Gln)

Genes: CDH23 (cadherin related 23; plus strand), LOC111982869 (Sharpr-MPRA regulatory region 2121; plus strand). Cytogenetic location: 10q22.1.
Variant type: single nucleotide variant.
Coding change: c.8044G>C on transcript NM_022124.6 (MANE Select); coding-DNA position 8044, G replaced by C.
Protein change: p.Glu2682Gln; replaces glutamic acid 2682 with glutamine.
Molecular consequence: missense variant.
Genome position (GRCh38, 1-based): chr10:71,805,977, G>C. VCF-style: chr10-71805977-G-C. GRCh37 (hg19) VCF-style: chr10-73565734-G-C.
Other names: c.1324G>C, p.Glu442Gln (NM_001171933.1, NM_001171934.1); short protein forms E442Q, E2682Q.
Identifiers: ClinVar variation 1482796 (VCV001482796.8), dbSNP rs2132984059, ClinGen allele CA377162221.